The following is an entry in ClinVar:

NM_000701.8(ATP1A1):c.62A>G (p.Lys21Arg)

Gene: ATP1A1 (ATPase Na+/K+ transporting subunit alpha 1; plus strand). Cytogenetic location: 1p13.1.
Variant type: single nucleotide variant.
Coding change: c.62A>G on transcript NM_000701.8 (MANE Select); coding-DNA position 62, A replaced by G.
Protein change: p.Lys21Arg; replaces lysine 21 with arginine.
Molecular consequence: missense variant. On other transcripts: 5 prime UTR variant (1).
Genome position (GRCh38, 1-based): chr1:116,384,063, A>G. VCF-style: chr1-116384063-A-G. GRCh37 (hg19) VCF-style: chr1-116926685-A-G.
Other names: c.62A>G, p.Lys21Arg (NM_001160233.2); c.-32A>G (NM_001160234.2); short protein forms K21R.
Identifiers: ClinVar variation 1722114 (VCV001722114.5), dbSNP rs2525807493, ClinGen allele CA341840267.

ClinVar aggregate classification (germline): Uncertain significance (1 of 4 stars; one submission).

Submission:

Labcorp Genetics (formerly Invitae), Labcorp
Classification: Uncertain significance. Last evaluated: 2022-10-25. Review status: criteria provided, single submitter. Criteria: Invitae Variant Classification Sherloc (09022015). Collection method: clinical testing. Allele origin: germline.
Comment: In summary, the available evidence is currently insufficient to determine the role of this variant in disease. Therefore, it has been classified as a Variant of Uncertain Significance. Advanced modeling of protein sequence and biophysical properties (such as structural, functional, and spatial information, amino acid conservation, physicochemical variation, residue mobility, and thermodynamic stability) performed at Invitae indicates that this missense variant is not expected to disrupt ATP1A1 protein function. This variant has not been reported in the literature in individuals affected with ATP1A1-related conditions. This variant is not present in population databases (gnomAD no frequency). This sequence change replaces lysine, which is basic and polar, with arginine, which is basic and polar, at codon 21 of the ATP1A1 protein (p.Lys21Arg).